The following is an entry in ClinVar:

ClinVar aggregate classification (germline): Likely pathogenic. Review status: criteria provided, multiple submitters, no conflicts (2 of 4 stars). 2 submissions from 2 submitters: Likely pathogenic (2). Last evaluated 2024-05-13.

Conditions:
Zellweger spectrum disorders (ZS). Also called: Zellweger syndrome; Zellweger Spectrum Disorder (ZSD); Zellweger Spectrum Disorder; Zellweger Spectrum. Identifiers: Orphanet 912, MedGen C0043459, MONDO:0019609.
Peroxisome biogenesis disorder. Identifiers: Orphanet 79189, MedGen C1832200, MONDO:0019234. Disease mechanism: loss of function.

gnomAD v4.1: 1 of 1,612,618 alleles (0.000062%); highest among the groups gnomAD compares: East Asian, 0.0022%; no homozygotes.

Submissions (2):

Natera, Inc.
Classification: Likely pathogenic for Zellweger syndrome. Last evaluated: 2024-05-13. Review status: criteria provided, single submitter. Criteria: Natera Variant Classification Schema (03/2026). Collection method: clinical testing. Allele origin: germline.
Comment: The c.1099C>T variant in PEX1 is a nonsense variant predicted to introduce a stop codon at amino acid 367. This variant is expected to result in nonsense mediated decay, truncation, or a dysfunctional protein product. This variant is rare in the general population with a frequency below the threshold expected for the associated phenotype(s). Given the available evidence, this variant is classified as Likely Pathogenic.

Myriad Genetics, Inc.
Classification: Likely pathogenic for Peroxisome biogenesis disorder. Last evaluated: 2022-01-25. Review status: criteria provided, single submitter. Criteria: Myriad Autosomal Dominant, Autosomal Recessive and X-Linked Classification Criteria (2023). Collection method: clinical testing. Allele origin: unknown.
Comment: NM_000466.2(PEX1):c.1099C>T(Q367*) is expected to be pathogenic in the context of peroxisome biogenesis disorder type 1. This variant is predicted to lead to an abnormal or absent protein product due to the creation of a premature termination codon in PEX1, a gene where loss-of-function variants are known to be pathogenic. Please note: this variant was assessed in the context of healthy population screening.

NM_000466.3(PEX1):c.1099C>T (p.Gln367Ter)

Gene: PEX1 (peroxisomal biogenesis factor 1; minus strand). Cytogenetic location: 7q21.2.
Variant type: single nucleotide variant.
Coding change: c.1099C>T on transcript NM_000466.3 (MANE Select); coding-DNA position 1099, C replaced by T.
Protein change: p.Gln367Ter; replaces glutamine 367 with a stop codon.
Molecular consequence: nonsense.
Genome position (GRCh38, 1-based): chr7:92,517,416, G>A on the plus strand (C>T on the coding strand, the complement: PEX1 is on the minus strand). VCF-style: chr7-92517416-G-A. GRCh37 (hg19) VCF-style: chr7-92146730-G-A.
Other names: c.1099C>T, p.Gln367Ter (NM_001282677.2); c.475C>T, p.Gln159Ter (NM_001282678.2); c.1099C>T (NM_000466.2); short protein forms Q159*, Q367*.
Identifiers: ClinVar variation 1724078 (VCV001724078.4), dbSNP rs140990231, ClinGen allele CA368198079.